The following is an entry in ClinVar:

ClinVar aggregate classification (germline): Uncertain significance (1 of 4 stars; one submission).

Conditions:
Inborn genetic diseases. Identifiers: MedGen C0950123, MeSH D030342.

gnomAD v4.1: 1 of 1,614,028 alleles (0.000062%); highest among the groups gnomAD compares: Non-Finnish European, 0.000085%; no homozygotes.

Submission:

Ambry Genetics
Classification: Uncertain significance for Inborn genetic diseases. Last evaluated: 2024-07-07. Review status: criteria provided, single submitter. Criteria: Ambry Variant Classification Scheme 2023. Collection method: clinical testing. Allele origin: germline.
Comment: The p.T1799I variant (also known as c.5396C>T), located in coding exon 32 of the ATR gene, results from a C to T substitution at nucleotide position 5396. The threonine at codon 1799 is replaced by isoleucine, an amino acid with similar properties. This amino acid position is conserved. In addition, the in silico prediction for this alteration is inconclusive. Based on the available evidence, the clinical significance of this variant remains unclear.

NM_001184.4(ATR):c.5396C>T (p.Thr1799Ile)

Gene: ATR (ATR serine/threonine kinase; minus strand). Cytogenetic location: 3q23.
Variant type: single nucleotide variant.
Coding change: c.5396C>T on transcript NM_001184.4 (MANE Select); coding-DNA position 5396, C replaced by T.
Protein change: p.Thr1799Ile; replaces threonine 1799 with isoleucine.
Molecular consequence: missense variant.
Genome position (GRCh38, 1-based): chr3:142,498,759, G>A on the plus strand (C>T on the coding strand, the complement: ATR is on the minus strand). VCF-style: chr3-142498759-G-A. GRCh37 (hg19) VCF-style: chr3-142217601-G-A.
Other names: c.5204C>T, p.Thr1735Ile (NM_001354579.2); short protein forms T1735I, T1799I.
Identifiers: ClinVar variation 3460932 (VCV003460932.1).